The following is an entry in ClinVar:

ClinVar aggregate classification (germline): Pathogenic (1 of 4 stars; one submission).

Conditions:
Primary ciliary dyskinesia. Also called: Ciliary dyskinesia. Identifiers: Orphanet 244, MedGen C0008780, MONDO:0016575, HP:0012265.

Submission:

Labcorp Genetics (formerly Invitae), Labcorp
Classification: Pathogenic for Primary ciliary dyskinesia. Last evaluated: 2024-12-03. Review status: criteria provided, single submitter. Criteria: Invitae Variant Classification Sherloc (09022015). Collection method: clinical testing. Allele origin: germline.
Comment: This sequence change affects an acceptor splice site in intron 55 of the DNAH5 gene. It is expected to disrupt RNA splicing. Variants that disrupt the donor or acceptor splice site typically lead to a loss of protein function (PMID: 16199547), and loss-of-function variants in DNAH5 are known to be pathogenic (PMID: 11788826, 16627867). This variant is not present in population databases (gnomAD no frequency). Disruption of this splice site has been observed in individual(s) with primary ciliary dyskinesia (PMID: 31469207). Algorithms developed to predict the effect of sequence changes on RNA splicing suggest that this variant may disrupt the consensus splice site. For these reasons, this variant has been classified as Pathogenic.

Literature cited by the submitters: PubMed 16199547; PubMed 11788826; PubMed 16627867; PubMed 31469207.

NM_001369.3(DNAH5):c.9374-2A>C

Gene: DNAH5 (dynein axonemal heavy chain 5; minus strand). Cytogenetic location: 5p15.2.
Variant type: single nucleotide variant.
Coding change: c.9374-2A>C on transcript NM_001369.3 (MANE Select); the canonical splice acceptor site of the intron before coding-DNA position 9374, A replaced by C.
Molecular consequence: splice acceptor variant.
Genome position (GRCh38, 1-based): chr5:13,770,982, T>G on the plus strand (A>C on the coding strand, the complement: DNAH5 is on the minus strand). VCF-style: chr5-13770982-T-G. GRCh37 (hg19) VCF-style: chr5-13771091-T-G.
Identifiers: ClinVar variation 3645077 (VCV003645077.2).